The following is an entry in ClinVar:

NM_000384.3(APOB):c.9546C>T (p.His3182=)

Gene: APOB (apolipoprotein B; minus strand). Cytogenetic location: 2p24.1.
Variant type: single nucleotide variant.
Coding change: c.9546C>T on transcript NM_000384.3 (MANE Select); coding-DNA position 9546, C replaced by T.
Protein change: p.His3182=; no amino-acid change (histidine 3182 retained).
Molecular consequence: synonymous variant.
Genome position (GRCh38, 1-based): chr2:21,007,322, G>A on the plus strand (C>T on the coding strand, the complement: APOB is on the minus strand). VCF-style: chr2-21007322-G-A. GRCh37 (hg19) VCF-style: chr2-21230194-G-A.
Identifiers: ClinVar variation 925613 (VCV000925613.8), dbSNP rs777648588, ClinGen allele CA066656.

ClinVar aggregate classification (germline): Likely benign. Review status: criteria provided, multiple submitters, no conflicts (2 of 4 stars). 3 submissions from 3 submitters: Likely benign (3). Last evaluated 2026-01-21.

Conditions:
Familial hypercholesterolemia. Also called: Familial hypercholesterolemias; Familial hypercholesterolaemia. Identifiers: MedGen C0020445, MONDO:0005439.
Familial hypobetalipoproteinemia 1. Also called: Hypobetalipoproteinemia, normotriglyceridemic; Acanthocytosis with hypobetalipoproteinemia; APOB-Related Familial Hypobetalipoproteinemia. Identifiers: MedGen C4551990, MONDO:0014252, OMIM 615558.
Hypercholesterolemia, autosomal dominant, type B (FHCL2). Also called: Familial Hypercholesterolemia Type B; HYPERCHOLESTEROLEMIA, FAMILIAL, DUE TO LIGAND-DEFECTIVE APOLIPOPROTEIN B; Familial hypercholesterolemia 2; APOB-Related Familial Hypercholesterolemia, Autosomal Dominant; APOLIPOPROTEIN B-100, FAMILIAL DEFECTIVE; APOLIPOPROTEIN B-100, FAMILIAL LIGAND-DEFECTIVE. Identifiers: MedGen C1704417, MONDO:0007751, OMIM 144010.
Cardiovascular phenotype. Identifiers: MedGen CN230736.

Allele frequency attached by ClinVar (database versions not stated): gnomAD exomes 0.00001 and 0.00002; TOPMed 0.00001; ExAC 0.00002.
gnomAD v4.1: 7 of 1,613,926 alleles (0.00043%); highest among the groups gnomAD compares: Admixed American, 0.0083%; no homozygotes.

Submissions (3):

Labcorp Genetics (formerly Invitae), Labcorp
Classification: Likely benign for Familial hypobetalipoproteinemia 1; Hypercholesterolemia, autosomal dominant, type B. Last evaluated: 2026-01-21. Review status: criteria provided, single submitter. Criteria: Invitae Variant Classification Sherloc (09022015). Collection method: clinical testing. Allele origin: germline.

GENinCode PLC
Classification: Likely benign for Familial hypercholesterolemia. Last evaluated: 2025-01-09. Review status: criteria provided, single submitter. Criteria: ACMG Guidelines, 2015. Collection method: clinical testing. Allele origin: germline.
Comment: This is a synonymous (silent) variant that is not predicted to impact splicing and occurs at a nucleotide which is not highly conserved. This variant has been classified as Likely Benign (BP4, BP7).

Ambry Genetics
Classification: Likely benign for Cardiovascular phenotype. Last evaluated: 2021-05-10. Review status: criteria provided, single submitter. Criteria: Ambry Variant Classification Scheme 2023. Collection method: clinical testing. Allele origin: germline.